The following is an entry in ClinVar:

NM_022489.4(INF2):c.597C>T (p.Ser199=)

Gene: INF2 (inverted formin 2; plus strand). Cytogenetic location: 14q32.33.
Variant type: single nucleotide variant.
Coding change: c.597C>T on transcript NM_022489.4 (MANE Select); coding-DNA position 597, C replaced by T.
Protein change: p.Ser199=; no amino-acid change (serine 199 retained).
Molecular consequence: synonymous variant.
Genome position (GRCh38, 1-based): chr14:104,703,384, C>T. VCF-style: chr14-104703384-C-T. GRCh37 (hg19) VCF-style: chr14-105169721-C-T.
Other names: c.597C>T, p.Ser199= (NM_001031714.4, NM_032714.3).
Identifiers: ClinVar variation 702832 (VCV000702832.51), dbSNP rs372269719, ClinGen allele CA7372336.

ClinVar aggregate classification (germline): Conflicting classifications of pathogenicity. Review status: criteria provided, conflicting classifications (1 of 4 stars). 4 submissions from 4 submitters: Uncertain significance (1); Likely benign (3). Last evaluated 2026-05-01.

Conditions:
INF2-related disorder. Also called: INF2-related condition.
Focal segmental glomerulosclerosis 5 (FSGS5). Identifiers: Orphanet 656, MedGen C2750475, MONDO:0013191, OMIM 613237.
Charcot-Marie-Tooth disease dominant intermediate E. Also called: CHARCOT-MARIE-TOOTH NEUROPATHY WITH FOCAL SEGMENTAL GLOMERULONEPHRITIS. Identifiers: Orphanet 93114, MedGen C4302667, MONDO:0013758, OMIM 614455.

Allele frequency attached by ClinVar (database versions not stated): ExAC 0.00005; gnomAD exomes 0.00005; gnomAD 0.00007; TOPMed 0.00007; ESP Exome Variant Server 0.00016.
gnomAD v4.1: 168 of 1,612,804 alleles (0.01%); highest among the groups gnomAD compares: Middle Eastern, 0.033%; 1 homozygote.

Submissions (4):

CeGaT Center for Human Genetics Tuebingen
Classification: Likely benign. Last evaluated: 2026-05-01. Review status: criteria provided, single submitter. Criteria: CeGaT Center For Human Genetics Tuebingen Variant Classification Criteria Version 2. Collection method: clinical testing. Allele origin: germline. Affected: yes. Observed: 2 variant alleles.
Comment: INF2: BP4, BP7

Labcorp Genetics (formerly Invitae), Labcorp
Classification: Likely benign for Charcot-Marie-Tooth disease dominant intermediate E; Focal segmental glomerulosclerosis 5. Last evaluated: 2025-11-22. Review status: criteria provided, single submitter. Criteria: Invitae Variant Classification Sherloc (09022015). Collection method: clinical testing. Allele origin: germline.

PreventionGenetics, part of Exact Sciences
Classification: Likely benign for INF2-related condition. Last evaluated: 2025-11-14. Review status: criteria provided, single submitter. Criteria: ACMG Guidelines, 2015. Collection method: clinical testing. Allele origin: germline.
Comment: This variant is classified as likely benign based on ACMG/AMP sequence variant interpretation guidelines (Richards et al. 2015 PMID: 25741868, with internal and published modifications).

Illumina Laboratory Services, Illumina
Classification: Uncertain significance for Focal segmental glomerulosclerosis 5. Last evaluated: 2018-01-15. Review status: criteria provided, single submitter. Criteria: ICSL Variant Classification Criteria 13 December 2019. Collection method: clinical testing. Allele origin: germline.